The following is an entry in ClinVar:

ClinVar aggregate classification (germline): Uncertain significance (1 of 4 stars; one submission).

Conditions:
Werner syndrome (WRN). Identifiers: Orphanet 902, MedGen C0043119, MONDO:0010196, OMIM 277700.

Submission:

Labcorp Genetics (formerly Invitae), Labcorp
Classification: Uncertain significance for Werner syndrome. Last evaluated: 2022-04-20. Review status: criteria provided, single submitter. Criteria: Invitae Variant Classification Sherloc (09022015). Collection method: clinical testing. Allele origin: germline.
Comment: In summary, the available evidence is currently insufficient to determine the role of this variant in disease. Therefore, it has been classified as a Variant of Uncertain Significance. Algorithms developed to predict the effect of missense changes on protein structure and function are either unavailable or do not agree on the potential impact of this missense change (SIFT: "Not Available"; PolyPhen-2: "Benign"; Align-GVGD: "Not Available"). This variant has not been reported in the literature in individuals affected with WRN-related conditions. This variant is not present in population databases (gnomAD no frequency). This sequence change replaces leucine, which is neutral and non-polar, with valine, which is neutral and non-polar, at codon 94 of the WRN protein (p.Leu94Val).

NM_000553.6(WRN):c.280C>G (p.Leu94Val)

Gene: WRN (WRN RecQ like helicase; plus strand). Cytogenetic location: 8p12.
Variant type: single nucleotide variant.
Coding change: c.280C>G on transcript NM_000553.6 (MANE Select); coding-DNA position 280, C replaced by G.
Protein change: p.Leu94Val; replaces leucine 94 with valine.
Molecular consequence: missense variant.
Genome position (GRCh38, 1-based): chr8:31,064,359, C>G. VCF-style: chr8-31064359-C-G. GRCh37 (hg19) VCF-style: chr8-30921875-C-G.
Other names: short protein forms L94V.
Identifiers: ClinVar variation 2155040 (VCV002155040.4), dbSNP rs2130032545, ClinGen allele CA370914197.